The following is an entry in ClinVar:

ClinVar aggregate classification (germline): Uncertain significance (1 of 4 stars; one submission).

Submission:

Labcorp Genetics (formerly Invitae), Labcorp
Classification: Uncertain significance. Last evaluated: 2025-06-23. Review status: criteria provided, single submitter. Criteria: Invitae Variant Classification Sherloc (09022015). Collection method: clinical testing. Allele origin: germline.
Comment: This sequence change replaces serine, which is neutral and polar, with arginine, which is basic and polar, at codon 1958 of the EYS protein (p.Ser1958Arg). This variant is not present in population databases (gnomAD no frequency). This variant has not been reported in the literature in individuals affected with EYS-related conditions. ClinVar contains an entry for this variant (Variation ID: 943515). Invitae Evidence Modeling of protein sequence and biophysical properties (such as structural, functional, and spatial information, amino acid conservation, physicochemical variation, residue mobility, and thermodynamic stability) indicates that this missense variant is expected to disrupt EYS protein function with a positive predictive value of 80%. In summary, the available evidence is currently insufficient to determine the role of this variant in disease. Therefore, it has been classified as a Variant of Uncertain Significance.

NM_001142800.2(EYS):c.5874C>G (p.Ser1958Arg)

Gene: EYS (EGF-like photoreceptor maintenance factor; minus strand). Cytogenetic location: 6q12.
Variant type: single nucleotide variant.
Coding change: c.5874C>G on transcript NM_001142800.2 (MANE Select); coding-DNA position 5874, C replaced by G.
Protein change: p.Ser1958Arg; replaces serine 1958 with arginine.
Molecular consequence: missense variant.
Genome position (GRCh38, 1-based): chr6:64,436,227, G>C on the plus strand (C>G on the coding strand, the complement: EYS is on the minus strand). VCF-style: chr6-64436227-G-C. GRCh37 (hg19) VCF-style: chr6-65146120-G-C.
Other names: c.5874C>G, p.Ser1958Arg (NM_001292009.2); short protein forms S1958R.
Identifiers: ClinVar variation 943515 (VCV000943515.9), dbSNP rs1774742459, ClinGen allele CA364392386.